The following is an entry in ClinVar:

ClinVar aggregate classification (germline): Likely benign (1 of 4 stars; one submission).

Conditions:
IRF2BPL-related disorder. Also called: IRF2BPL-related condition. Identifiers: MedGen CN381093.

Submission:

PreventionGenetics, part of Exact Sciences
Classification: Likely benign for IRF2BPL-related condition. Last evaluated: 2025-06-24. Review status: criteria provided, single submitter. Criteria: ACMG Guidelines, 2015. Collection method: clinical testing. Allele origin: germline.
Comment: This variant is classified as likely benign based on ACMG/AMP sequence variant interpretation guidelines (Richards et al. 2015 PMID: 25741868, with internal and published modifications).

NM_024496.4(IRF2BPL):c.1320G>A (p.Gln440=)

Gene: IRF2BPL (interferon regulatory factor 2 binding protein like; minus strand). Cytogenetic location: 14q24.3.
Variant type: single nucleotide variant.
Coding change: c.1320G>A on transcript NM_024496.4 (MANE Select); coding-DNA position 1320, G replaced by A.
Protein change: p.Gln440=; no amino-acid change (glutamine 440 retained).
Molecular consequence: synonymous variant.
Genome position (GRCh38, 1-based): chr14:77,026,473, C>T on the plus strand (G>A on the coding strand, the complement: IRF2BPL is on the minus strand). VCF-style: chr14-77026473-C-T. GRCh37 (hg19) VCF-style: chr14-77492816-C-T.
Identifiers: ClinVar variation 4982490 (VCV004982490.1).